The following is an entry in ClinVar:

NM_000041.4(APOE):c.478C>T (p.Arg160Cys)

Gene: APOE (apolipoprotein E; plus strand). Cytogenetic location: 19q13.32.
Variant type: single nucleotide variant.
Coding change: c.478C>T on transcript NM_000041.4 (MANE Select); coding-DNA position 478, C replaced by T.
Protein change: p.Arg160Cys; replaces arginine 160 with cysteine.
Molecular consequence: missense variant.
Genome position (GRCh38, 1-based): chr19:44,908,774, C>T. VCF-style: chr19-44908774-C-T. GRCh37 (hg19) VCF-style: chr19-45412031-C-T.
Other names: R142C; c.556C>T, p.Arg186Cys (NM_001302688.2); c.478C>T, p.Arg160Cys (NM_001302689.2, NM_001302690.2, NM_001302691.2); short protein forms R160C, R186C.
Identifiers: ClinVar variation 487346 (VCV000487346.2), dbSNP rs387906567, ClinGen allele CA041132.
Genomic context (GRCh38, chr19:44,908,774, plus strand): 5'-GTGCAGGCCATGCTCGGCCAGAGCACCGAGGAGCTGCGGGTGCGCCTCGCCTCCCACCTG[C>T]GCAAGCTGCGTAAGCGGCTCCTCCGCGATGCCGATGACCTGCAGAAGCGCCTGGCAGTGT-3'
Protein context (NP_000032.1, residues 150-170): ELRVRLASHL[Arg160Cys]KLRKRLLRDA

ClinVar aggregate classification (germline): Likely pathogenic (1 of 4 stars; one submission).

Conditions:
Familial type 3 hyperlipoproteinemia. Also called: Hyperlipoproteinemia type 3; Hyperlipoproteinemia type III; Dysbetalipoproteinemia; Familial dysbetalipoproteinemia; Broad beta disease; Remnant removal disease. Identifiers: Orphanet 412, MedGen C0020479, MONDO:0018473, OMIM 617347.

gnomAD v4.1: 1 of 1,560,316 alleles (0.000064%); highest among the groups gnomAD compares: Non-Finnish European, 0.000087%; no homozygotes.

Submission:

New York Genome Center
Classification: Likely pathogenic for Familial type 3 hyperlipoproteinemia. Last evaluated: 2022-08-22. Review status: criteria provided, single submitter. Criteria: NYGC Assertion Criteria 2020. Collection method: clinical testing. Allele origin: germline. Affected: yes. Observed: 1 heterozygote.
Comment: The c.478C>T variant has previously been reported to co-segregate with autosomal dominant familial dysbetalipoproteinemia is a family in whom six affected and four unaffected family-members were tested [PMID: 2539388]. The variant was located on the apoE4 allele [PMID: 2539388]. The c.478C>T variant is absent from population databases (gnomAD v2.1.1 andv3.1.2, TOPMed Freeze 8), suggesting it is not a common benign variant in the populations represented in those databases. The c.478C>T variant is located in exon 4 of this 4-exon gene and is predicted to replace an evolutionarily conserved arginine residue with cysteine at position 160 inthe alpha-helical segment of the encoded protein [PMID: 22645694]. Two different variants [p.(Arg160Leu) and p.(Arg160Ser)] affecting the same Arg160 codon have been reported in individuals with hyperlipidemia phenotype [PMID: 7772063, 15256764,24953047]. In silico predictions are in favor of damaging effect for thep.(Arg160Cys) variant [REVEL = 0.827]. In vitro functional studies revealed a significantly reduced receptor-binding and heparin-binding activity for p.(Arg160Cys)[PMID: 2539388, 11500500, 34058468]. Based on available evidence this c.478C>T p.(Arg160Cys) variant identified in APOE is classified as Likely Pathogenic.